The following is an entry in ClinVar:

ClinVar aggregate classification (germline): Benign. Review status: criteria provided, multiple submitters, no conflicts (2 of 4 stars). 4 submissions from 4 submitters: Benign (3). 1 of the submissions does not count toward it. Last evaluated 2025-04-09.

Conditions:
NRAP-related disorder. Also called: NRAP-related condition.

Allele frequency attached by ClinVar (database versions not stated): gnomAD exomes 0.26335 and 0.26357; ExAC 0.26734; 1000 Genomes Project 0.26777; 1000 Genomes Project 30x 0.26889; TOPMed 0.29195; gnomAD 0.29236 and 0.29646; ESP Exome Variant Server 0.30632.
gnomAD v4.1: 428,495 of 1,607,864 alleles (27%); highest among the groups gnomAD compares: African/African-American, 37%; 58,513 homozygotes.

Submissions (4):

Molecular Diagnostic Laboratory for Inherited Cardiovascular Disease, Montreal Heart Institute
Classification: Benign. Last evaluated: 2025-04-09. Review status: criteria provided, single submitter. Criteria: ACMG Guidelines, 2015. Collection method: clinical testing. Allele origin: germline. Affected: no.

GeneDx
Classification: Benign. Last evaluated: 2019-01-10. Review status: criteria provided, single submitter. Criteria: GeneDx Variant Classification Process June 2021. Collection method: clinical testing. Allele origin: germline. Affected: yes.
Comment: This variant is associated with the following publications: (PMID: 27443559)

Breakthrough Genomics
Classification: Benign. Review status: criteria provided, single submitter. Criteria: ACMG Guidelines, 2015. Collection method: not provided. Allele origin: germline. Inheritance: Unknown mechanism. Affected: yes.

PreventionGenetics, part of Exact Sciences
Classification: Benign for NRAP-related condition. Last evaluated: 2019-10-22. Review status: no assertion criteria provided. Collection method: clinical testing. Allele origin: germline. Not counted in ClinVar's aggregate classification.
Comment: This variant is classified as benign based on ACMG/AMP sequence variant interpretation guidelines (Richards et al. 2015 PMID: 25741868, with internal and published modifications).

NM_198060.4(NRAP):c.844G>A (p.Ala282Thr)

Gene: NRAP (nebulin related anchoring protein; minus strand). Cytogenetic location: 10q25.3.
Variant type: single nucleotide variant.
Coding change: c.844G>A on transcript NM_198060.4 (MANE Select); coding-DNA position 844, G replaced by A.
Protein change: p.Ala282Thr; replaces alanine 282 with threonine.
Molecular consequence: missense variant.
Genome position (GRCh38, 1-based): chr10:113,650,081, C>T on the plus strand (G>A on the coding strand, the complement: NRAP is on the minus strand). VCF-style: chr10-113650081-C-T. GRCh37 (hg19) VCF-style: chr10-115409840-C-T.
Other names: c.844G>A, p.Ala282Thr (NM_001261463.2, NM_001322945.2, NM_006175.5); short protein forms A282T.
Identifiers: ClinVar variation 1273205 (VCV001273205.5), dbSNP rs2275799, ClinGen allele CA5695783.